The following is an entry in ClinVar:

NM_004360.5(CDH1):c.1680G>T (p.Thr560=)

Gene: CDH1 (cadherin 1; plus strand). Cytogenetic location: 16q22.1.
Variant type: single nucleotide variant.
Coding change: c.1680G>T on transcript NM_004360.5 (MANE Select); coding-DNA position 1680, G replaced by T.
Protein change: p.Thr560=; no amino-acid change (threonine 560 retained).
Molecular consequence: synonymous variant. On other transcripts: intron variant (1).
Genome position (GRCh38, 1-based): chr16:68,819,394, G>T. VCF-style: chr16-68819394-G-T. GRCh37 (hg19) VCF-style: chr16-68853297-G-T.
Other names: c.1497G>T, p.Thr499= (NM_001317184.2); c.132G>T, p.Thr44= (NM_001317185.2); c.-254-2607G>T (NM_001317186.2); c.1680G>T (NM_004360.3).
Identifiers: ClinVar variation 628818 (VCV000628818.14), dbSNP rs35741240, ClinGen allele CA496154411.

ClinVar aggregate classification (germline): Benign/Likely benign. Review status: criteria provided, multiple submitters, no conflicts (2 of 4 stars). 6 submissions from 6 submitters: Benign (1); Likely benign (5). Last evaluated 2025-11-29.

Conditions:
Breast and/or ovarian cancer. Identifiers: MedGen CN221562.
Hereditary cancer-predisposing syndrome. Also called: Tumor predisposition; Neoplastic Syndromes, Hereditary; Hereditary Cancer Syndrome; Hereditary neoplastic syndrome. Identifiers: Orphanet 140162, MedGen C0027672, MeSH D009386, MONDO:0015356.
Hereditary diffuse gastric adenocarcinoma (HDGC). Also called: DIFFUSE GASTRIC AND LOBULAR BREAST CANCER SYNDROME. Identifiers: Orphanet 26106, MedGen C1708349, MONDO:0007648, OMIM 137215.

gnomAD v4.1: 1 of 1,613,750 alleles (0.000062%); highest among the groups gnomAD compares: Non-Finnish European, 0.000085%; no homozygotes.

Submissions (6):

Ambry Genetics
Classification: Likely benign for Hereditary cancer-predisposing syndrome. Last evaluated: 2025-11-29. Review status: criteria provided, single submitter. Criteria: Ambry Variant Classification Scheme 2023. Collection method: clinical testing. Allele origin: germline.

Quest Diagnostics Nichols Institute San Juan Capistrano
Classification: Likely benign. Last evaluated: 2025-03-22. Review status: criteria provided, single submitter. Criteria: Quest Diagnostics criteria. Collection method: clinical testing. Allele origin: unknown.

Myriad Genetics, Inc.
Classification: Benign for Hereditary diffuse gastric adenocarcinoma. Last evaluated: 2024-09-19. Review status: criteria provided, single submitter. Criteria: Myriad Autosomal Dominant, Autosomal Recessive and X-Linked Classification Criteria (2023). Collection method: clinical testing. Allele origin: unknown.
Comment: This variant is considered benign. This variant is a silent/synonymous amino acid change and it is not expected to impact splicing.

Labcorp Genetics (formerly Invitae), Labcorp
Classification: Likely benign for Hereditary diffuse gastric adenocarcinoma. Last evaluated: 2024-08-01. Review status: criteria provided, single submitter. Criteria: Invitae Variant Classification Sherloc (09022015). Collection method: clinical testing. Allele origin: germline.

CHEO Genetics Diagnostic Laboratory, Children's Hospital of Eastern Ontario
Classification: Likely benign for Breast and/or ovarian cancer. Last evaluated: 2023-06-01. Review status: criteria provided, single submitter. Criteria: ACMG Guidelines, 2015. Collection method: clinical testing. Allele origin: germline.

Color Diagnostics, LLC DBA Color Health
Classification: Likely benign for Hereditary cancer-predisposing syndrome. Last evaluated: 2018-07-09. Review status: criteria provided, single submitter. Criteria: ACMG Guidelines, 2015. Collection method: clinical testing. Allele origin: germline.